The following is an entry in ClinVar:

ClinVar aggregate classification (germline): Likely benign. Review status: criteria provided, multiple submitters, no conflicts (2 of 4 stars). 4 submissions from 4 submitters: Likely benign (4). Last evaluated 2024-07-30.

Conditions:
Autosomal recessive limb-girdle muscular dystrophy type 2J (LGMDR10). Also called: Limb-girdle muscular dystrophy, type 2J; MUSCULAR DYSTROPHY, LIMB-GIRDLE, AUTOSOMAL RECESSIVE 10. Identifiers: Orphanet 140922, MedGen C1837342, MONDO:0012127, OMIM 608807.
Dilated cardiomyopathy 1G (CMD1G). Identifiers: Orphanet 154, MedGen C1858763, MONDO:0011400, OMIM 604145.
Cardiovascular phenotype. Identifiers: MedGen CN230736.

Allele frequency attached by ClinVar (database versions not stated): gnomAD exomes below 0.00001; TOPMed below 0.00001.
gnomAD v4.1: 4 of 1,613,262 alleles (0.00025%); highest among the groups gnomAD compares: Non-Finnish European, 0.00017%; no homozygotes.

Submissions (4):

Labcorp Genetics (formerly Invitae), Labcorp
Classification: Likely benign for Dilated cardiomyopathy 1G; Autosomal recessive limb-girdle muscular dystrophy type 2J. Last evaluated: 2024-07-30. Review status: criteria provided, single submitter. Criteria: Invitae Variant Classification Sherloc (09022015). Collection method: clinical testing. Allele origin: germline.

Ambry Genetics
Classification: Likely benign for Cardiovascular phenotype. Last evaluated: 2024-03-13. Review status: criteria provided, single submitter. Criteria: Ambry Variant Classification Scheme 2023. Collection method: clinical testing. Allele origin: germline.

CeGaT Center for Human Genetics Tuebingen
Classification: Likely benign. Last evaluated: 2023-06-01. Review status: criteria provided, single submitter. Criteria: CeGaT Center For Human Genetics Tuebingen Variant Classification Criteria Version 2. Collection method: clinical testing. Allele origin: germline. Affected: yes. Observed: 2 variant alleles.
Comment: TTN: PM2:Supporting, BP4, BP7

GeneDx
Classification: Likely benign. Last evaluated: 2016-10-03. Review status: criteria provided, single submitter. Criteria: GeneDx Variant Classification (06012015). Collection method: clinical testing. Allele origin: germline. Affected: yes.
Comment: This variant is considered likely benign or benign based on one or more of the following criteria: it is a conservative change, it occurs at a poorly conserved position in the protein, it is predicted to be benign by multiple in silico algorithms, and/or has population frequency not consistent with disease.

NM_001267550.2(TTN):c.67587T>C (p.Asn22529=)

Genes: TTN (titin; minus strand), TTN-AS1 (TTN antisense RNA 1; plus strand), LOC126806423 (CDK7 strongly-dependent group 2 enhancer GRCh37_chr2:179443309-179444508; plus strand). Cytogenetic location: 2q31.2.
Variant type: single nucleotide variant.
Coding change: c.67587T>C on transcript NM_001267550.2 (MANE Select); coding-DNA position 67587, T replaced by C.
Protein change: p.Asn22529=; no amino-acid change (asparagine 22529 retained).
Molecular consequence: synonymous variant.
Genome position (GRCh38, 1-based): chr2:178,579,610, A>G on the plus strand (T>C on the coding strand, the complement: TTN is on the minus strand). VCF-style: chr2-178579610-A-G. GRCh37 (hg19) VCF-style: chr2-179444337-A-G.
Other names: c.62664T>C, p.Asn20888= (NM_001256850.1); c.40392T>C, p.Asn13464= (NM_003319.4); c.59883T>C, p.Asn19961= (NM_133378.4); c.40767T>C, p.Asn13589= (NM_133432.3); c.40968T>C, p.Asn13656= (NM_133437.4).
Identifiers: ClinVar variation 389827 (VCV000389827.33), dbSNP rs1057523544, ClinGen allele CA16603999.